The following is an entry in ClinVar:

NM_001369.3(DNAH5):c.4380_4381del (p.Lys1461fs)

Genes: DNAH5-AS1 (DNAH5 antisense RNA 1; plus strand), DNAH5 (dynein axonemal heavy chain 5; minus strand). Cytogenetic location: 5p15.2.
Variant type: Deletion.
Coding change: c.4380_4381del on transcript NM_001369.3 (MANE Select); coding-DNA positions 4380 to 4381, 2 bases deleted (GA; older notation c.4380_4381delGA).
Protein change: p.Lys1461fs; shifts the reading frame from lysine 1461.
Molecular consequence: frameshift variant.
Genome position (GRCh38, 1-based): chr5:13,864,612-13,864,613, TC deleted on the plus strand (GA on the coding strand, the reverse complement: DNAH5 is on the minus strand). VCF-style (leftmost placement, unchanged base first): chr5-13864611-TTC-T. GRCh37 (hg19) VCF-style: chr5-13864720-TTC-T.
Other names: short protein forms K1461fs.
Identifiers: ClinVar variation 1725122 (VCV001725122.2), dbSNP rs2546979154, ClinGen allele CA2580072107.

ClinVar aggregate classification (germline): Likely pathogenic (1 of 4 stars; one submission).

Conditions:
Primary ciliary dyskinesia 3. Identifiers: Orphanet 244, MedGen C1837618, MONDO:0012085, OMIM 608644.

Submission:

Myriad Genetics, Inc.
Classification: Likely pathogenic for Primary ciliary dyskinesia 3. Last evaluated: 2022-03-08. Review status: criteria provided, single submitter. Criteria: Myriad Women's Health Autosomal Recessive and X-Linked Classification Criteria (2021). Collection method: clinical testing. Allele origin: unknown.
Comment: NM_001369.2(DNAH5):c.4380_4381delGA(K1461Gfs*13) is expected to be pathogenic in the context of DNAH5-related primary ciliary dyskinesia. This variant is predicted to lead to an abnormal or absent protein product due to the creation of a premature termination codon in DNAH5, a gene where loss-of-function variants are known to be pathogenic. Please note: this variant was assessed in the context of healthy population screening.